The following is an entry in ClinVar:

NM_206937.2(LIG4):c.847A>G (p.Lys283Glu)

Gene: LIG4 (DNA ligase 4; minus strand). Cytogenetic location: 13q33.3.
Variant type: single nucleotide variant.
Coding change: c.847A>G on transcript NM_206937.2 (MANE Select); coding-DNA position 847, A replaced by G.
Protein change: p.Lys283Glu; replaces lysine 283 with glutamic acid.
Molecular consequence: missense variant.
Genome position (GRCh38, 1-based): chr13:108,210,422, T>C on the plus strand (A>G on the coding strand, the complement: LIG4 is on the minus strand). VCF-style: chr13-108210422-T-C. GRCh37 (hg19) VCF-style: chr13-108862770-T-C.
Other names: c.847A>G, p.Lys283Glu (NM_001098268.2, NM_001352598.2, NM_001352599.2 and 6 more transcripts); c.646A>G, p.Lys216Glu (NM_001330595.2); c.883A>G, p.Lys295Glu (NM_001352604.2); short protein forms K295E, K216E, K283E.
Identifiers: ClinVar variation 694006 (VCV000694006.5), dbSNP rs1594462950, ClinGen allele CA388619699.

ClinVar aggregate classification (germline): Likely pathogenic. Review status: criteria provided, multiple submitters, no conflicts (2 of 4 stars). 2 submissions from 2 submitters: Likely pathogenic (2). Last evaluated 2022-10-23.

Conditions:
DNA ligase IV deficiency. Identifiers: Orphanet 99812, MedGen C1847827, MONDO:0011686, OMIM 606593.

Submissions (2):

Labcorp Genetics (formerly Invitae), Labcorp
Classification: Likely pathogenic for DNA ligase IV deficiency. Last evaluated: 2022-10-23. Review status: criteria provided, single submitter. Criteria: Invitae Variant Classification Sherloc (09022015). Collection method: clinical testing. Allele origin: germline.
Comment: Advanced modeling of protein sequence and biophysical properties (such as structural, functional, and spatial information, amino acid conservation, physicochemical variation, residue mobility, and thermodynamic stability) performed at Invitae indicates that this missense variant is expected to disrupt LIG4 protein function. This sequence change replaces lysine, which is basic and polar, with glutamic acid, which is acidic and polar, at codon 283 of the LIG4 protein (p.Lys283Glu). This variant is not present in population databases (gnomAD no frequency). This missense change has been observed in individual(s) with clinical features of severe combined immunodeficiency (PMID: 28039949, 29146883, 31696992). In at least one individual the data is consistent with being in trans (on the opposite chromosome) from a pathogenic variant. ClinVar contains an entry for this variant (Variation ID: 694006). In summary, the currently available evidence indicates that the variant is pathogenic, but additional data are needed to prove that conclusively. Therefore, this variant has been classified as Likely Pathogenic.

Child Neurology Department, Hôpital Universitaire de Bruxelles
Classification: Likely pathogenic for DNA ligase IV deficiency. Review status: criteria provided, single submitter. Criteria: ACMG Guidelines, 2015. Collection method: clinical testing. Allele origin: maternal. Affected: yes.

Literature cited by the submitters: PubMed 28039949 (cited by Labcorp Genetics (formerly Invitae), Labcorp and Child Neurology Department, Hôpital Universitaire de Bruxelles); PubMed 29146883 (cited by Labcorp Genetics (formerly Invitae), Labcorp); PubMed 31696992 (cited by Labcorp Genetics (formerly Invitae), Labcorp).